The following is an entry in ClinVar:

ClinVar aggregate classification (germline): Uncertain significance (1 of 4 stars; one submission).

Conditions:
Aicardi-Goutieres syndrome 5. Identifiers: Orphanet 51, MedGen C2749659, MONDO:0013059, OMIM 612952.

Allele frequency attached by ClinVar (database versions not stated): TOPMed below 0.00001.

Submission:

Labcorp Genetics (formerly Invitae), Labcorp
Classification: Uncertain significance for Aicardi-Goutieres syndrome 5. Last evaluated: 2021-04-29. Review status: criteria provided, single submitter. Criteria: Invitae Variant Classification Sherloc (09022015). Collection method: clinical testing. Allele origin: germline.
Comment: In summary, the available evidence is currently insufficient to determine the role of this variant in disease. Therefore, it has been classified as a Variant of Uncertain Significance. This variant is not present in population databases (ExAC no frequency). This variant has not been reported in the literature in individuals with SAMHD1-related conditions. Algorithms developed to predict the effect of missense changes on protein structure and function (SIFT, PolyPhen-2, Align-GVGD) all suggest that this variant is likely to be tolerated, but these predictions have not been confirmed by published functional studies and their clinical significance is uncertain. This sequence change replaces isoleucine with threonine at codon 413 of the SAMHD1 protein (p.Ile413Thr). The isoleucine residue is moderately conserved and there is a moderate physicochemical difference between isoleucine and threonine.

NM_015474.4(SAMHD1):c.1238T>C (p.Ile413Thr)

Gene: SAMHD1 (SAM and HD domain containing deoxynucleoside triphosphate triphosphohydrolase 1; minus strand). Cytogenetic location: 20q11.23.
Variant type: single nucleotide variant.
Coding change: c.1238T>C on transcript NM_015474.4 (MANE Select); coding-DNA position 1238, T replaced by C.
Protein change: p.Ile413Thr; replaces isoleucine 413 with threonine.
Molecular consequence: missense variant.
Genome position (GRCh38, 1-based): chr20:36,911,250, A>G on the plus strand (T>C on the coding strand, the complement: SAMHD1 is on the minus strand). VCF-style: chr20-36911250-A-G. GRCh37 (hg19) VCF-style: chr20-35539653-A-G.
Other names: c.1238T>C, p.Ile413Thr (NM_001363729.2, NM_001363733.2); short protein forms I413T.
Identifiers: ClinVar variation 1349921 (VCV001349921.8), dbSNP rs1444630318, ClinGen allele CA408843396.
Genomic context (GRCh38, chr20:36,911,250, plus strand): 5'-ACCATCTATGTTACCTGTTACTTCTTACCTGTCAGCTTAGTATAGGCTTCCATGTCGTCA[A>G]TTGCTGTAGAAATGCGATACTTTTTTCCTCCAGCACCTGTAATCTCTATGTAGTCATCTG-3'
Protein context (NP_056289.2, residues 403-423): GGKKYRISTA[Ile413Thr]DDMEAYTKLT